The following is an entry in ClinVar:

NM_001040142.2(SCN2A):c.4135G>A (p.Val1379Met)

Gene: SCN2A (sodium voltage-gated channel alpha subunit 2; plus strand). Cytogenetic location: 2q24.3.
Variant type: single nucleotide variant.
Coding change: c.4135G>A on transcript NM_001040142.2 (MANE Select); coding-DNA position 4135, G replaced by A.
Protein change: p.Val1379Met; replaces valine 1379 with methionine.
Molecular consequence: missense variant.
Genome position (GRCh38, 1-based): chr2:165,374,847, G>A. VCF-style: chr2-165374847-G-A. GRCh37 (hg19) VCF-style: chr2-166231357-G-A.
Other names: c.4135G>A, p.Val1379Met (NM_001040143.2, NM_001371246.1, NM_001371247.1 and 1 more transcripts); short protein forms V1379M.
Identifiers: ClinVar variation 424464 (VCV000424464.13), dbSNP rs779140322, ClinGen allele CA1940227.

ClinVar aggregate classification (germline): Conflicting classifications of pathogenicity. Review status: criteria provided, conflicting classifications (1 of 4 stars). 4 submissions from 4 submitters: Uncertain significance (1); Benign (1); Likely benign (2). Last evaluated 2025-01-05.

Conditions:
Developmental and epileptic encephalopathy, 11 (DEE11). Also called: Early infantile epileptic encephalopathy 11. Identifiers: Orphanet 1934, MedGen C3150987, MONDO:0013388, OMIM 613721.
Seizures, benign familial infantile, 3 (BFIS3). Also called: CONVULSIONS, BENIGN FAMILIAL INFANTILE, 3; Familial neonatal seizures. Identifiers: Orphanet 140927, Orphanet 306, MedGen C1843140, MONDO:0011904, OMIM 607745.
Inborn genetic diseases. Identifiers: MedGen C0950123, MeSH D030342.

Allele frequency attached by ClinVar (database versions not stated): gnomAD exomes 0.00001 and 0.00002; TOPMed 0.00001; gnomAD 0.00002 and 0.00003; ExAC 0.00003.
gnomAD v4.1: 25 of 1,613,450 alleles (0.0015%); highest among the groups gnomAD compares: Middle Eastern, 0.016%; no homozygotes.

Submissions (4):

Labcorp Genetics (formerly Invitae), Labcorp
Classification: Uncertain significance for Seizures, benign familial infantile, 3; Developmental and epileptic encephalopathy, 11. Last evaluated: 2025-01-05. Review status: criteria provided, single submitter. Criteria: Invitae Variant Classification Sherloc (09022015). Collection method: clinical testing. Allele origin: germline.
Comment: This sequence change replaces valine, which is neutral and non-polar, with methionine, which is neutral and non-polar, at codon 1379 of the SCN2A protein (p.Val1379Met). This variant is present in population databases (rs779140322, gnomAD 0.01%). This missense change has been observed in individuals with clinical features of SCN2A-related conditions (internal data). ClinVar contains an entry for this variant (Variation ID: 424464). Invitae Evidence Modeling of protein sequence and biophysical properties (such as structural, functional, and spatial information, amino acid conservation, physicochemical variation, residue mobility, and thermodynamic stability) has been performed for this missense variant. However, the output from this modeling did not meet the statistical confidence thresholds required to predict the impact of this variant on SCN2A protein function. In summary, the available evidence is currently insufficient to determine the role of this variant in disease. Therefore, it has been classified as a Variant of Uncertain Significance.

Blueprint Genetics
Classification: Likely benign. Last evaluated: 2024-11-08. Review status: criteria provided, single submitter. Criteria: ACMG Guidelines, 2015. Collection method: clinical testing. Allele origin: germline.

GeneDx
Classification: Likely benign. Last evaluated: 2020-12-14. Review status: criteria provided, single submitter. Criteria: GeneDx Variant Classification Process June 2021. Collection method: clinical testing. Allele origin: germline. Affected: yes.

Ambry Genetics
Classification: Benign for Inborn genetic diseases. Last evaluated: 2018-11-28. Review status: criteria provided, single submitter. Criteria: Ambry Variant Classification Scheme 2023. Collection method: clinical testing. Allele origin: germline.